The following is an entry in ClinVar:

NM_033409.4(SLC52A3):c.70T>C (p.Trp24Arg)

Gene: SLC52A3 (solute carrier family 52 member 3; minus strand). Cytogenetic location: 20p13.
Variant type: single nucleotide variant.
Coding change: c.70T>C on transcript NM_033409.4 (MANE Select); coding-DNA position 70, T replaced by C.
Protein change: p.Trp24Arg; replaces tryptophan 24 with arginine.
Molecular consequence: missense variant.
Genome position (GRCh38, 1-based): chr20:765,705, A>G on the plus strand (T>C on the coding strand, the complement: SLC52A3 is on the minus strand). VCF-style: chr20-765705-A-G. GRCh37 (hg19) VCF-style: chr20-746349-A-G.
Other names: c.70T>C, p.Trp24Arg (NM_001370085.1, NM_001370086.1); short protein forms W24R.
Identifiers: ClinVar variation 1498164 (VCV001498164.6), dbSNP rs1288873761, ClinGen allele CA407964603.

ClinVar aggregate classification (germline): Uncertain significance (1 of 4 stars; one submission).

Conditions:
Brown-Vialetto-van Laere syndrome 1. Also called: BROWN-VIALETTO-VAN LAERE SYNDROME 1, MILD; BULBAR PALSY, PROGRESSIVE, WITH SENSORINEURAL DEAFNESS; PONTOBULBAR PALSY WITH DEAFNESS. Identifiers: Orphanet 572550, Orphanet 97229, MedGen C0796274, MONDO:0024537, OMIM 211530.

Allele frequency attached by ClinVar (database versions not stated): gnomAD exomes 0.00001 and 0.00002.
gnomAD v4.1: 4 of 1,613,770 alleles (0.00025%); highest among the groups gnomAD compares: Admixed American, 0.0067%; no homozygotes.

Submission:

Labcorp Genetics (formerly Invitae), Labcorp
Classification: Uncertain significance for Brown-Vialetto-van Laere syndrome 1. Last evaluated: 2022-02-24. Review status: criteria provided, single submitter. Criteria: Invitae Variant Classification Sherloc (09022015). Collection method: clinical testing. Allele origin: germline.
Comment: In summary, the available evidence is currently insufficient to determine the role of this variant in disease. Therefore, it has been classified as a Variant of Uncertain Significance. Algorithms developed to predict the effect of missense changes on protein structure and function (SIFT, PolyPhen-2, Align-GVGD) all suggest that this variant is likely to be disruptive. This variant has not been reported in the literature in individuals affected with SLC52A3-related conditions. This variant is present in population databases (no rsID available, gnomAD 0.01%). This sequence change replaces tryptophan, which is neutral and slightly polar, with arginine, which is basic and polar, at codon 24 of the SLC52A3 protein (p.Trp24Arg).